The following is an entry in ClinVar:

NM_004329.3(BMPR1A):c.972dup (p.Thr325fs)

Gene: BMPR1A (bone morphogenetic protein receptor type 1A; plus strand). Cytogenetic location: 10q23.2.
Variant type: Duplication.
Coding change: c.972dup on transcript NM_004329.3 (MANE Select); coding-DNA position 972, one base duplicated (T; older notation c.972dupT).
Protein change: p.Thr325fs; shifts the reading frame from threonine 325.
Molecular consequence: frameshift variant. On other transcripts: non-coding transcript variant (3).
Genome position (GRCh38, 1-based): chr10:86,919,275, T duplicated. VCF-style (leftmost placement, unchanged base first): chr10-86919274-C-CT. GRCh37 (hg19) VCF-style: chr10-88679031-C-CT.
Other names: c.888dup, p.Thr297fs (NM_001406585.1, NM_001406586.1, NM_001406587.1 and 2 more transcripts); c.630dup, p.Thr211fs (NM_001406589.1); c.972dup, p.Thr325fs (NM_001406567.1, NM_001406568.1, NM_001406569.1 and 19 more transcripts); c.966dup, p.Thr323fs (NM_001406583.1); c.1047dup, p.Thr350fs (NM_001406559.1); c.1020dup, p.Thr341fs (NM_001406560.1); short protein forms T211fs, T297fs, T323fs, T325fs, T341fs, T350fs.
Identifiers: ClinVar variation 2583613 (VCV002583613.2), dbSNP rs2539619596, ClinGen allele CA2582342687.

ClinVar aggregate classification (germline): Pathogenic (1 of 4 stars; one submission).

Conditions:
Juvenile polyposis syndrome (JPS). Identifiers: Orphanet 2929, MedGen C0345893, MONDO:0017380, OMIM 174900.

Submission:

Myriad Genetics, Inc.
Classification: Pathogenic for Juvenile polyposis syndrome. Last evaluated: 2023-05-26. Review status: criteria provided, single submitter. Criteria: Myriad Autosomal Dominant, Autosomal Recessive and X-Linked Classification Criteria (2023). Collection method: clinical testing. Allele origin: unknown.
Comment: This variant is considered pathogenic. This variant creates a frameshift predicted to result in premature protein truncation.